The following is an entry in ClinVar:

NM_004960.4(FUS):c.661_684dup (p.Gly228_Gly229insSerGlyGlyGlyGlyGlyGlyGly)

Gene: FUS (FUS RNA binding protein; plus strand). Cytogenetic location: 16p11.2.
Variant type: Duplication.
Coding change: c.661_684dup on transcript NM_004960.4 (MANE Select); coding-DNA positions 661 to 684, 24 bases duplicated (AGTGGTGGCGGCGGCGGCGGCGGC).
Protein change: p.Gly228_Gly229insSerGlyGlyGlyGlyGlyGlyGly.
Molecular consequence: non-coding transcript variant (on NR_028388.2).
Genome position (GRCh38, 1-based): chr16:31,185,076-31,185,099, AGTGGTGGCGGCGGCGGCGGCGGC duplicated; duplicating any 24 consecutive bases within chr16:31,185,073-31,185,099 gives the same sequence; the c. name uses the placement nearest the transcript's 3' end. VCF-style (leftmost placement, unchanged base first): chr16-31185072-T-TGGCAGTGGTGGCGGCGGCGGCGGC. GRCh37 (hg19) VCF-style: chr16-31196393-T-TGGCAGTGGTGGCGGCGGCGGCGGC.
Other names: c.658_681dup, p.Gly227_Gly228insSerGlyGlyGlyGlyGlyGlyGly (NM_001170634.1); c.649_672dup, p.Gly224_Gly225insSerGlyGlyGlyGlyGlyGlyGly (NM_001170937.1).
Identifiers: ClinVar variation 3774661 (VCV003774661.1).

ClinVar aggregate classification (germline): Uncertain significance (1 of 4 stars; one submission).

Submission:

GeneDx
Classification: Uncertain significance. Last evaluated: 2024-09-26. Review status: criteria provided, single submitter. Criteria: GeneDx Variant Classification Process June 2021. Collection method: clinical testing. Allele origin: germline. Affected: yes.
Comment: Not observed at significant frequency in large population cohorts (gnomAD); In-frame duplication of 8 amino acids in a repetitive region with no known function; Has not been previously published as pathogenic or benign to our knowledge